The following is an entry in ClinVar:

NM_001354604.2(MITF):c.582+507C>T

Gene: MITF (melanocyte inducing transcription factor; plus strand). Cytogenetic location: 3p13.
Variant type: single nucleotide variant.
Coding change: c.582+507C>T on transcript NM_001354604.2 (MANE Select); 507 bases into the intron after coding-DNA position 582, C replaced by T.
Molecular consequence: intron variant. On other transcripts: 3 prime UTR variant (1).
Genome position (GRCh38, 1-based): chr3:69,938,556, C>T. VCF-style: chr3-69938556-C-T. GRCh37 (hg19) VCF-style: chr3-69987707-C-T.
Other names: c.*190C>T (NM_001184968.2); c.531+507C>T (NM_001354607.2); c.426+507C>T (NM_001354608.2, NM_001184967.2); c.582+507C>T (NM_198159.3); c.579+507C>T (NM_001354605.2, NM_001354606.2, NM_006722.3); c.534+507C>T (NM_198177.3); c.261+507C>T (NM_000248.4, NM_198158.3); c.94-542C>T (NM_198178.3).
Identifiers: ClinVar variation 679720 (VCV000679720.2), dbSNP rs113310138, ClinGen allele CA11446446.

ClinVar aggregate classification (germline): Benign. Review status: criteria provided, multiple submitters, no conflicts (2 of 4 stars). 2 submissions from 2 submitters: Benign (2). Last evaluated 2018-06-15.

Allele frequency attached by ClinVar (database versions not stated): 1000 Genomes Project 30x 0.02608; 1000 Genomes Project 0.02636; TOPMed 0.05230; gnomAD 0.06141 and 0.06363; gnomAD exomes 0.08645.
gnomAD v4.1: 116,088 of 1,397,154 alleles (8.3%); highest among the groups gnomAD compares: Non-Finnish European, 9.4%; 5,635 homozygotes.

Submissions (2):

GeneDx
Classification: Benign. Last evaluated: 2018-06-15. Review status: criteria provided, single submitter. Criteria: GeneDx Variant Classification (06012015). Collection method: clinical testing. Allele origin: germline. Affected: yes.
Comment: This variant is considered likely benign or benign based on one or more of the following criteria: it is a conservative change, it occurs at a poorly conserved position in the protein, it is predicted to be benign by multiple in silico algorithms, and/or has population frequency not consistent with disease.

Breakthrough Genomics
Classification: Benign. Review status: criteria provided, single submitter. Criteria: ACMG Guidelines, 2015. Collection method: not provided. Allele origin: germline. Inheritance: Autosomal recessive inheritance. Affected: yes.